The following is an entry in ClinVar:

ClinVar aggregate classification (germline): Pathogenic (1 of 4 stars; one submission).

Submission:

Labcorp Genetics (formerly Invitae), Labcorp
Classification: Pathogenic. Last evaluated: 2024-05-27. Review status: criteria provided, single submitter. Criteria: Invitae Variant Classification Sherloc (09022015). Collection method: clinical testing. Allele origin: germline.
Comment: This sequence change creates a premature translational stop signal (p.Ala898Profs*22) in the PDZD7 gene. While this is not anticipated to result in nonsense mediated decay, it is expected to disrupt the last 136 amino acid(s) of the PDZD7 protein. This variant is not present in population databases (gnomAD no frequency). This variant has not been reported in the literature in individuals affected with PDZD7-related conditions. This variant disrupts a region of the PDZD7 protein in which other variant(s) (p.Arg933del) have been determined to be pathogenic (Invitae). This suggests that this is a clinically significant region of the protein, and that variants that disrupt it are likely to be disease-causing. For these reasons, this variant has been classified as Pathogenic.

NM_001195263.2(PDZD7):c.2692del (p.Ala898fs)

Gene: PDZD7 (PDZ domain containing 7; minus strand). Cytogenetic location: 10q24.31.
Variant type: Deletion.
Coding change: c.2692del on transcript NM_001195263.2 (MANE Select); coding-DNA position 2692, one base deleted (G; older notation c.2692delG).
Protein change: p.Ala898fs; shifts the reading frame from alanine 898.
Molecular consequence: frameshift variant.
Genome position (GRCh38, 1-based): chr10:101,009,276, C deleted on the plus strand (G on the coding strand, the reverse complement: PDZD7 is on the minus strand); the first of 7 consecutive C bases (chr10:101,009,276-101,009,282); deleting any one gives the same sequence. VCF-style (leftmost placement, unchanged base first): chr10-101009275-GC-G. GRCh37 (hg19) VCF-style: chr10-102769032-GC-G.
Other names: short protein forms A898fs.
Identifiers: ClinVar variation 3680610 (VCV003680610.2).
Genomic context (GRCh38, chr10:101,009,275, plus strand): 5'-CTCTGAGAGGGTGGGCCAGGGCATGCTTCACCCACCTGCAGGGCCCCACTGAGGAAAGCG[GC>G]CCCCCCAGGGAAGATCTTCTCTATCTTCACCATGGGCTGCACCTTGGACTCAATGCCCCC-3'